The following is an entry in ClinVar:

ClinVar aggregate classification (germline): Uncertain significance (1 of 4 stars; one submission).

Submission:

GeneDx
Classification: Uncertain significance. Last evaluated: 2025-07-02. Review status: criteria provided, single submitter. Criteria: GeneDx Variant Classification Process June 2021. Collection method: clinical testing. Allele origin: germline. Affected: yes.
Comment: Not observed at significant frequency in large population cohorts (gnomAD); In silico analysis supports that this missense variant has a deleterious effect on protein structure/function; In silico analysis supports a deleterious effect on splicing; Has not been previously published as pathogenic or benign to our knowledge

NM_006372.5(SYNCRIP):c.980A>T (p.Glu327Val)

Gene: SYNCRIP (synaptotagmin binding cytoplasmic RNA interacting protein; minus strand). Cytogenetic location: 6q14.3.
Variant type: single nucleotide variant.
Coding change: c.980A>T on transcript NM_006372.5 (MANE Select); coding-DNA position 980, A replaced by T.
Protein change: p.Glu327Val; replaces glutamic acid 327 with valine.
Molecular consequence: missense variant. On other transcripts: intron variant (2).
Genome position (GRCh38, 1-based): chr6:85,622,510, T>A on the plus strand (A>T on the coding strand, the complement: SYNCRIP is on the minus strand). VCF-style: chr6-85622510-T-A. GRCh37 (hg19) VCF-style: chr6-86332228-T-A.
Other names: c.686A>T, p.Glu229Val (NM_001159673.2, NM_001410938.1, NM_001439159.1); c.980A>T, p.Glu327Val (NM_001159676.2, NM_001159677.2, NM_001439158.1 and 3 more transcripts); c.524A>T, p.Glu175Val (NM_001253771.2); c.903+77A>T (NM_001159674.2, NM_001159675.2); short protein forms E175V, E229V, E327V.
Identifiers: ClinVar variation 4681065 (VCV004681065.1).